The following is an entry in ClinVar:

ClinVar aggregate classification (germline): Uncertain significance (1 of 4 stars; one submission).

Allele frequency attached by ClinVar (database versions not stated): gnomAD 0.00001; TOPMed 0.00001.

Submission:

Labcorp Genetics (formerly Invitae), Labcorp
Classification: Uncertain significance. Last evaluated: 2023-03-29. Review status: criteria provided, single submitter. Criteria: Invitae Variant Classification Sherloc (09022015). Collection method: clinical testing. Allele origin: germline.
Comment: This variant has not been reported in the literature in individuals affected with HYOU1-related conditions. This sequence change affects codon 123 of the HYOU1 mRNA. It is a 'silent' change, meaning that it does not change the encoded amino acid sequence of the HYOU1 protein. This variant is present in population databases (rs782262662, gnomAD 0.01%). In summary, the available evidence is currently insufficient to determine the role of this variant in disease. Therefore, it has been classified as a Variant of Uncertain Significance.

NM_006389.5(HYOU1):c.369C>T (p.His123=)

Gene: HYOU1 (hypoxia up-regulated 1; minus strand). Cytogenetic location: 11q23.3.
Variant type: single nucleotide variant.
Coding change: c.369C>T on transcript NM_006389.5 (MANE Select); coding-DNA position 369, C replaced by T.
Protein change: p.His123=; no amino-acid change (histidine 123 retained).
Molecular consequence: synonymous variant.
Genome position (GRCh38, 1-based): chr11:119,055,235, G>A on the plus strand (C>T on the coding strand, the complement: HYOU1 is on the minus strand). VCF-style: chr11-119055235-G-A. GRCh37 (hg19) VCF-style: chr11-118925947-G-A.
Other names: c.369C>T, p.His123= (NM_001130991.3, NM_001411041.1).
Identifiers: ClinVar variation 3019352 (VCV003019352.3), dbSNP rs782262662, ClinGen allele CA229648907.